The following is an entry in ClinVar:

NM_032444.4(SLX4):c.4842C>G (p.Ser1614Arg)

Gene: SLX4 (SLX4 structure-specific endonuclease subunit; minus strand). Cytogenetic location: 16p13.3.
Variant type: single nucleotide variant.
Coding change: c.4842C>G on transcript NM_032444.4 (MANE Select); coding-DNA position 4842, C replaced by G.
Protein change: p.Ser1614Arg; replaces serine 1614 with arginine.
Molecular consequence: missense variant.
Genome position (GRCh38, 1-based): chr16:3,583,408, G>C on the plus strand (C>G on the coding strand, the complement: SLX4 is on the minus strand). VCF-style: chr16-3583408-G-C. GRCh37 (hg19) VCF-style: chr16-3633409-G-C.
Other names: short protein forms S1614R.
Identifiers: ClinVar variation 1348666 (VCV001348666.6), dbSNP rs2151116971, ClinGen allele CA394515259.

ClinVar aggregate classification (germline): Uncertain significance. Review status: criteria provided, multiple submitters, no conflicts (2 of 4 stars). 2 submissions from 2 submitters: Uncertain significance (2). Last evaluated 2024-06-09.

Conditions:
Fanconi anemia (FA). Also called: Fanconi's anemia. Identifiers: Orphanet 84, MedGen C0015625, MeSH D005199, MONDO:0019391.
Fanconi anemia complementation group P. Also called: SLX4-Related Fanconi Anemia. Identifiers: Orphanet 84, MedGen C3469542, MONDO:0013499, OMIM 613951.

Submissions (2):

Fulgent Genetics
Classification: Uncertain significance for Fanconi anemia complementation group P. Last evaluated: 2024-06-09. Review status: criteria provided, single submitter. Criteria: ACMG Guidelines, 2015. Collection method: clinical testing. Allele origin: germline.

Labcorp Genetics (formerly Invitae), Labcorp
Classification: Uncertain significance for Fanconi anemia. Last evaluated: 2021-08-27. Review status: criteria provided, single submitter. Criteria: Invitae Variant Classification Sherloc (09022015). Collection method: clinical testing. Allele origin: germline.
Comment: This sequence change replaces serine with arginine at codon 1614 of the SLX4 protein (p.Ser1614Arg). The serine residue is weakly conserved and there is a moderate physicochemical difference between serine and arginine. This variant is not present in population databases (ExAC no frequency). This variant has not been reported in the literature in individuals affected with SLX4-related conditions. Algorithms developed to predict the effect of missense changes on protein structure and function (SIFT, PolyPhen-2, Align-GVGD) all suggest that this variant is likely to be tolerated. In summary, the available evidence is currently insufficient to determine the role of this variant in disease. Therefore, it has been classified as a Variant of Uncertain Significance.